The following is an entry in ClinVar:

ClinVar aggregate classification (germline): Uncertain significance (1 of 4 stars; one submission).

Conditions:
Catecholaminergic polymorphic ventricular tachycardia 1. Also called: VENTRICULAR TACHYCARDIA, CATECHOLAMINERGIC POLYMORPHIC, 1, WITH OR WITHOUT ATRIAL DYSFUNCTION AND/OR DILATED CARDIOMYOPATHY; VENTRICULAR TACHYCARDIA, STRESS-INDUCED POLYMORPHIC 1; RYR2-Related Catecholaminergic Polymorphic Ventricular Tachycardia. Identifiers: Orphanet 3286, MedGen C1631597, MONDO:0011484, OMIM 604772.

Submission:

Labcorp Genetics (formerly Invitae), Labcorp
Classification: Uncertain significance for Catecholaminergic polymorphic ventricular tachycardia 1. Last evaluated: 2024-09-16. Review status: criteria provided, single submitter. Criteria: Invitae Variant Classification Sherloc (09022015). Collection method: clinical testing. Allele origin: germline.
Comment: This sequence change affects codon 1304 of the RYR2 mRNA. It is a 'silent' change, meaning that it does not change the encoded amino acid sequence of the RYR2 protein. This variant is not present in population databases (gnomAD no frequency). This variant has not been reported in the literature in individuals affected with RYR2-related conditions. Algorithms developed to predict the effect of sequence changes on RNA splicing suggest that this variant may disrupt the consensus splice site. In summary, the available evidence is currently insufficient to determine the role of this variant in disease. Therefore, it has been classified as a Variant of Uncertain Significance.

NM_001035.3(RYR2):c.3912G>T (p.Leu1304=)

Genes: RYR2 (ryanodine receptor 2; plus strand), LOC126806067 (BRD4-independent group 4 enhancer GRCh37_chr1:237753258-237754457; plus strand). Cytogenetic location: 1q43.
Variant type: single nucleotide variant.
Coding change: c.3912G>T on transcript NM_001035.3 (MANE Select); coding-DNA position 3912, G replaced by T.
Protein change: p.Leu1304=; no amino-acid change (leucine 1304 retained).
Molecular consequence: synonymous variant.
Genome position (GRCh38, 1-based): chr1:237,590,744, G>T. VCF-style: chr1-237590744-G-T. GRCh37 (hg19) VCF-style: chr1-237754044-G-T.
Identifiers: ClinVar variation 3671415 (VCV003671415.2).